The following is an entry in ClinVar:

NM_001458.5(FLNC):c.2528T>C (p.Ile843Thr)

Gene: FLNC (filamin C; plus strand). Cytogenetic location: 7q32.1.
Variant type: single nucleotide variant.
Coding change: c.2528T>C on transcript NM_001458.5 (MANE Select); coding-DNA position 2528, T replaced by C.
Protein change: p.Ile843Thr; replaces isoleucine 843 with threonine.
Molecular consequence: missense variant.
Genome position (GRCh38, 1-based): chr7:128,842,932, T>C. VCF-style: chr7-128842932-T-C. GRCh37 (hg19) VCF-style: chr7-128482986-T-C.
Other names: c.2528T>C, p.Ile843Thr (NM_001127487.2); short protein forms I843T.
Identifiers: ClinVar variation 2574932 (VCV002574932.4), dbSNP rs370556972, ClinGen allele CA166175688.
Genomic context (GRCh38, chr7:128,842,932, plus strand): 5'-AGAATGACAACGACACCTTCACCGTCAAGTACACGCCACCAGGGGCGGGCCGCTACACCA[T>C]CATGGTGCTGTTTGCCAACCAGGTACCTAAGCTCCTGGGTACTCACAGCGACATGCACCT-3'
Protein context (NP_001449.3, residues 833-853): YTPPGAGRYT[Ile843Thr]MVLFANQEIP

ClinVar aggregate classification (germline): Uncertain significance. Review status: criteria provided, multiple submitters, no conflicts (2 of 4 stars). 2 submissions from 2 submitters: Uncertain significance (2). Last evaluated 2023-07-16.

Conditions:
Myofibrillar myopathy 5. Also called: Filaminopathy (type); FILAMINOPATHY, AUTOSOMAL DOMINANT. Identifiers: Orphanet 171445, MedGen C1836050, MONDO:0012289, OMIM 609524.
Distal myopathy with posterior leg and anterior hand involvement. Also called: WILLIAMS DISTAL MYOPATHY. Identifiers: Orphanet 63273, MedGen C3279722, MONDO:0013550, OMIM 614065.
Hypertrophic cardiomyopathy 26. Also called: Cardiomyopathy, familial hypertrophic, 26. Identifiers: Orphanet 75249, MedGen C4310749, MONDO:0014883, OMIM 617047.

Allele frequency attached by ClinVar (database versions not stated): TOPMed 0.00001; ESP Exome Variant Server 0.00008.

Submissions (2):

Labcorp Genetics (formerly Invitae), Labcorp
Classification: Uncertain significance for Distal myopathy with posterior leg and anterior hand involvement; Myofibrillar myopathy 5; Hypertrophic cardiomyopathy 26. Last evaluated: 2023-07-16. Review status: criteria provided, single submitter. Criteria: Invitae Variant Classification Sherloc (09022015). Collection method: clinical testing. Allele origin: germline.
Comment: This variant has not been reported in the literature in individuals affected with FLNC-related conditions. This variant is not present in population databases (gnomAD no frequency). This sequence change replaces isoleucine, which is neutral and non-polar, with threonine, which is neutral and polar, at codon 843 of the FLNC protein (p.Ile843Thr). Advanced modeling of protein sequence and biophysical properties (such as structural, functional, and spatial information, amino acid conservation, physicochemical variation, residue mobility, and thermodynamic stability) has been performed at Invitae for this missense variant, however the output from this modeling did not meet the statistical confidence thresholds required to predict the impact of this variant on FLNC protein function. In summary, the available evidence is currently insufficient to determine the role of this variant in disease. Therefore, it has been classified as a Variant of Uncertain Significance.

GeneDx
Classification: Uncertain significance. Last evaluated: 2023-02-06. Review status: criteria provided, single submitter. Criteria: GeneDx Variant Classification Process June 2021. Collection method: clinical testing. Allele origin: germline. Affected: yes.
Comment: Has not been previously published as pathogenic or benign to our knowledge; Not observed at significant frequency in large population cohorts (gnomAD); In silico analysis supports that this missense variant has a deleterious effect on protein structure/function